The following is an entry in ClinVar:

ClinVar aggregate classification (germline): Uncertain significance. Review status: criteria provided, multiple submitters, no conflicts (2 of 4 stars). 7 submissions from 7 submitters: Uncertain significance (4). 3 of the submissions do not count toward it. Last evaluated 2026-04-15.

Conditions:
Alstrom syndrome (ALMS). Identifiers: Orphanet 64, MedGen C0268425, MONDO:0008763, OMIM 203800.
Cardiovascular phenotype. Identifiers: MedGen CN230736.

Allele frequency attached by ClinVar (database versions not stated): gnomAD exomes 0.00003 and 0.00004; gnomAD 0.00004 and 0.00003; TOPMed 0.00002.
gnomAD v4.1: 57 of 1,612,322 alleles (0.0035%); highest among the groups gnomAD compares: Non-Finnish European, 0.0046%; no homozygotes.

Submissions (7):

Ambry Genetics
Classification: Uncertain significance for Cardiovascular phenotype. Last evaluated: 2026-04-15. Review status: criteria provided, single submitter. Criteria: Ambry Variant Classification Scheme 2023. Collection method: clinical testing. Allele origin: germline.
Comment: The p.Q2154R variant (also known as c.6461A>G), located in coding exon 8 of the ALMS1 gene, results from an A to G substitution at nucleotide position 6461. The glutamine at codon 2154 is replaced by arginine, an amino acid with highly similar properties. This variant has been identified in conjunction with other ALMS1 variant(s) in individual(s) with features that may be consistent with Alstrom syndrome (Hendricks AE et al. Sci Rep, 2017 Jun;7:4394; Wang M et al. J Am Soc Nephrol, 2019 Sep;30:1625-1640; Ambry internal data). Note, this variant is also referred to as p.Q2152R in the literature. This amino acid position is not well conserved in available vertebrate species. In addition, this alteration is predicted to be tolerated by in silico analysis. Based on the available evidence, the clinical significance of this variant remains unclear.

Labcorp Genetics (formerly Invitae), Labcorp
Classification: Uncertain significance for Alstrom syndrome. Last evaluated: 2026-02-03. Review status: criteria provided, single submitter. Criteria: Invitae Variant Classification Sherloc (09022015). Collection method: clinical testing. Allele origin: germline.
Comment: This sequence change replaces glutamine, which is neutral and polar, with arginine, which is basic and polar, at codon 2154 of the ALMS1 protein (p.Gln2154Arg). This variant is present in population databases (rs534635095, gnomAD 0.007%). This missense change has been observed in individual(s) with focal segmental glomerulosclerosis (PMID: 31308072). This variant is also known as c.6455A>G (p.Gln2152Arg). ClinVar contains an entry for this variant (Variation ID: 337021). An algorithm developed to predict the effect of missense changes on protein structure and function outputs the following: PolyPhen-2: "Not Available". The arginine amino acid residue is found in multiple mammalian species, which suggests that this missense change does not adversely affect protein function. In summary, the available evidence is currently insufficient to determine the role of this variant in disease. Therefore, it has been classified as a Variant of Uncertain Significance.

Blueprint Genetics
Classification: Uncertain significance. Last evaluated: 2023-12-29. Review status: criteria provided, single submitter. Criteria: ACMG Guidelines, 2015. Collection method: clinical testing. Allele origin: germline.

GeneDx
Classification: Uncertain significance. Last evaluated: 2019-07-03. Review status: criteria provided, single submitter. Criteria: GeneDx Variant Classification Process June 2021. Collection method: clinical testing. Allele origin: germline. Affected: yes.
Comment: Not observed at a significant frequency in large population cohorts (Lek et al., 2016); In silico analysis, which includes protein predictors and evolutionary conservation, supports that this variant does not alter protein structure/function; Has not been previously published as pathogenic or benign to our knowledge

Clinical Genetics DNA and cytogenetics Diagnostics Lab, Erasmus MC, Erasmus Medical Center
Classification: Likely benign. Review status: no assertion criteria provided. Collection method: clinical testing. Allele origin: germline. Affected: yes. Study: VKGL Data-share Consensus. Not counted in ClinVar's aggregate classification.

Clinical Genetics, Academic Medical Center
Classification: Likely benign. Review status: no assertion criteria provided. Collection method: clinical testing. Allele origin: germline. Affected: yes. Study: VKGL Data-share Consensus. Not counted in ClinVar's aggregate classification.

Genome Diagnostics Laboratory, University Medical Center Utrecht
Classification: Likely benign. Review status: no assertion criteria provided. Collection method: clinical testing. Allele origin: germline. Affected: yes. Study: VKGL Data-share Consensus. Not counted in ClinVar's aggregate classification.

Literature cited by the submitters: PubMed 28663568 (cited by Ambry Genetics); PubMed 31308072 (cited by Ambry Genetics and Labcorp Genetics (formerly Invitae), Labcorp).

NM_001378454.1(ALMS1):c.6458A>G (p.Gln2153Arg)

Gene: ALMS1 (ALMS1 centrosome and basal body associated protein; plus strand). Cytogenetic location: 2p13.1.
Variant type: single nucleotide variant.
Coding change: c.6458A>G on transcript NM_001378454.1 (MANE Select); coding-DNA position 6458, A replaced by G.
Protein change: p.Gln2153Arg; replaces glutamine 2153 with arginine.
Molecular consequence: missense variant.
Genome position (GRCh38, 1-based): chr2:73,452,985, A>G. VCF-style: chr2-73452985-A-G. GRCh37 (hg19) VCF-style: chr2-73680112-A-G.
Other names: c.6461A>G, p.Gln2154Arg (NM_015120.4); short protein forms Q2154R, Q2153R.
Identifiers: ClinVar variation 337021 (VCV000337021.15), dbSNP rs534635095, ClinGen allele CA10615957.
Genomic context (GRCh38, chr2:73,452,985, plus strand): 5'-TATTACCAACAGCTCTTCCTAGTTCCTTTTCACATCGAGAGAAACCAGATATTTTCTATC[A>G]AAAGGATTTGCCAGATAGACATCTAACTGAAGATGCTCTAAAGATCTCAAGTGCTCTTGG-3'
Protein context (NP_001365383.1, residues 2143-2163): SHREKPDIFY[Gln2153Arg]KDLPDRHLTE